The following is an entry in ClinVar:

ClinVar aggregate classification (germline): Uncertain significance (1 of 4 stars; one submission).

Conditions:
Arrhythmogenic right ventricular dysplasia 8 (ARVD8). Also called: ARRHYTHMOGENIC RIGHT VENTRICULAR DYSPLASIA, FAMILIAL, 8; ARRHYTHMOGENIC RIGHT VENTRICULAR CARDIOMYOPATHY 8; Arrhythmogenic Right Ventricular Dysplasia/Cardiomyopathy 8. Identifiers: MedGen C1843896, MONDO:0011831, OMIM 607450.
Arrhythmogenic cardiomyopathy with wooly hair and keratoderma. Also called: Dilated cardiomyopathy with woolly hair and keratoderma; Carvajal syndrome; PALMOPLANTAR KERATODERMA WITH LEFT VENTRICULAR CARDIOMYOPATHY AND WOOLLY HAIR; Arrhythmogenic cardiomyopathy with woolly hair and keratoderma. Identifiers: Orphanet 65282, MedGen C1854063, MONDO:0011581, OMIM 605676.

Submission:

Labcorp Genetics (formerly Invitae), Labcorp
Classification: Uncertain significance for Arrhythmogenic cardiomyopathy with wooly hair and keratoderma; Arrhythmogenic right ventricular dysplasia 8. Last evaluated: 2021-12-11. Review status: criteria provided, single submitter. Criteria: Invitae Variant Classification Sherloc (09022015). Collection method: clinical testing. Allele origin: germline.
Comment: In summary, the available evidence is currently insufficient to determine the role of this variant in disease. Therefore, it has been classified as a Variant of Uncertain Significance. Algorithms developed to predict the effect of missense changes on protein structure and function are either unavailable or do not agree on the potential impact of this missense change (SIFT: "Deleterious"; PolyPhen-2: "Possibly Damaging"; Align-GVGD: "Class C0"). This variant has not been reported in the literature in individuals affected with DSP-related conditions. This variant is not present in population databases (gnomAD no frequency). This sequence change replaces asparagine, which is neutral and polar, with histidine, which is basic and polar, at codon 1364 of the DSP protein (p.Asn1364His).

NM_004415.4(DSP):c.4090A>C (p.Asn1364His)

Gene: DSP (desmoplakin; plus strand). Cytogenetic location: 6p24.3.
Variant type: single nucleotide variant.
Coding change: c.4090A>C on transcript NM_004415.4 (MANE Select); coding-DNA position 4090, A replaced by C.
Protein change: p.Asn1364His; replaces asparagine 1364 with histidine.
Molecular consequence: missense variant. On other transcripts: intron variant (2).
Genome position (GRCh38, 1-based): chr6:7,580,280, A>C. VCF-style: chr6-7580280-A-C. GRCh37 (hg19) VCF-style: chr6-7580513-A-C.
Other names: c.4050+40A>C (NM_001319034.2); c.3582+508A>C (NM_001008844.3); short protein forms N1364H.
Identifiers: ClinVar variation 2039530 (VCV002039530.4), dbSNP rs2533927388, ClinGen allele CA362685532.